The following is an entry in ClinVar:

NM_144997.7(FLCN):c.897_898dup (p.Asp300fs)

Gene: FLCN (folliculin; minus strand). Cytogenetic location: 17p11.2.
Variant type: Duplication.
Coding change: c.897_898dup on transcript NM_144997.7 (MANE Select); coding-DNA positions 897 to 898, 2 bases duplicated (GG; older notation c.897_898dupGG).
Protein change: p.Asp300fs; shifts the reading frame from aspartic acid 300.
Molecular consequence: frameshift variant.
Genome position (GRCh38, 1-based): chr17:17,219,183-17,219,184, CC duplicated on the plus strand (GG on the coding strand, the reverse complement: FLCN is on the minus strand); duplicating any 2 consecutive bases within chr17:17,219,183-17,219,185 gives the same sequence; the c. name uses the placement nearest the transcript's 3' end. VCF-style (leftmost placement, unchanged base first): chr17-17219182-T-TCC. GRCh37 (hg19) VCF-style: chr17-17122496-T-TCC.
Other names: c.951_952dup, p.Asp318fs (NM_001353229.2); c.897_898dup, p.Asp300fs (NM_001353230.2, NM_001353231.2); c.897_898dupGG (NM_144997.5); short protein forms D300fs, D318fs.
Identifiers: ClinVar variation 3279037 (VCV003279037.1).
Genomic context (GRCh38, chr17:17,219,182, plus strand): 5'-CGCCCTTCTGTACTCTCTGGCAACACAGGGGCTTTCTCCTCCTCTTCAGCCTCAGAGTTG[T>TCC]CCCAGCTTTCTGATTCCTCTTCTAAATCTGCAAGACAGATGACAAGGACAGTTACAGATA-3'

ClinVar aggregate classification (germline): Pathogenic (1 of 4 stars; one submission).

Conditions:
Hereditary cancer-predisposing syndrome. Also called: Tumor predisposition; Hereditary Cancer Syndrome; Hereditary neoplastic syndrome; Neoplastic Syndromes, Hereditary. Identifiers: Orphanet 140162, MedGen C0027672, MeSH D009386, MONDO:0015356.

Submission:

Ambry Genetics
Classification: Pathogenic for Hereditary cancer-predisposing syndrome. Last evaluated: 2024-06-19. Review status: criteria provided, single submitter. Criteria: Ambry Variant Classification Scheme 2023. Collection method: clinical testing. Allele origin: germline.
Comment: The c.897_898dupGG pathogenic mutation, located in coding exon 6 of the FLCN gene, results from a duplication of GG at nucleotide position 897, causing a translational frameshift with a predicted alternate stop codon (p.D300Gfs*24). This variant is considered to be rare based on population cohorts in the Genome Aggregation Database (gnomAD). This alteration is expected to result in loss of function by premature protein truncation or nonsense-mediated mRNA decay. As such, this alteration is interpreted as a disease-causing mutation.